The following is an entry in ClinVar:

NM_000222.3(KIT):c.2050A>G (p.Arg684Gly)

Gene: KIT (KIT proto-oncogene, receptor tyrosine kinase; plus strand). Cytogenetic location: 4q12.
Variant type: single nucleotide variant.
Coding change: c.2050A>G on transcript NM_000222.3 (MANE Select); coding-DNA position 2050, A replaced by G.
Protein change: p.Arg684Gly; replaces arginine 684 with glycine.
Molecular consequence: missense variant.
Genome position (GRCh38, 1-based): chr4:54,729,394, A>G. VCF-style: chr4-54729394-A-G. GRCh37 (hg19) VCF-style: chr4-55595560-A-G.
Other names: c.2038A>G, p.Arg680Gly (NM_001093772.2, NM_001385286.1); c.2053A>G, p.Arg685Gly (NM_001385284.1, NM_001385290.1); c.2050A>G, p.Arg684Gly (NM_001385285.1); c.2041A>G, p.Arg681Gly (NM_001385288.1, NM_001385292.1); short protein forms R684G, R680G, R681G, R685G.
Identifiers: ClinVar variation 3004710 (VCV003004710.3), dbSNP rs1553892209, ClinGen allele CA356909488.

ClinVar aggregate classification (germline): Uncertain significance (1 of 4 stars; one submission).

Conditions:
Gastrointestinal stromal tumor. Also called: Gastrointestinal stromal tumor, somatic; Gastrointestinal stroma tumor. Identifiers: Orphanet 44890, MedGen C0238198, MeSH D046152, MONDO:0011719, OMIM 606764, HP:0100723.

Allele frequency attached by ClinVar (database versions not stated): gnomAD exomes below 0.00001.
gnomAD v4.1: 1 of 1,613,788 alleles (0.000062%); highest among the groups gnomAD compares: Non-Finnish European, 0.000085%; no homozygotes.

Submission:

Labcorp Genetics (formerly Invitae), Labcorp
Classification: Uncertain significance for Gastrointestinal stromal tumor. Last evaluated: 2023-01-15. Review status: criteria provided, single submitter. Criteria: Invitae Variant Classification Sherloc (09022015). Collection method: clinical testing. Allele origin: germline.
Comment: In summary, the available evidence is currently insufficient to determine the role of this variant in disease. Therefore, it has been classified as a Variant of Uncertain Significance. Algorithms developed to predict the effect of missense changes on protein structure and function (SIFT, PolyPhen-2, Align-GVGD) all suggest that this variant is likely to be disruptive. This variant has not been reported in the literature in individuals affected with KIT-related conditions. This variant is not present in population databases (gnomAD no frequency). This sequence change replaces arginine, which is basic and polar, with glycine, which is neutral and non-polar, at codon 684 of the KIT protein (p.Arg684Gly).